The following is an entry in ClinVar:

ClinVar aggregate classification (germline): Uncertain significance. Review status: criteria provided, multiple submitters, no conflicts (2 of 4 stars). 3 submissions from 3 submitters: Uncertain significance (3). Last evaluated 2025-02-18.

Allele frequency attached by ClinVar (database versions not stated): ESP Exome Variant Server 0.00008; gnomAD 0.00009 and 0.00011; gnomAD exomes 0.00009 and 0.00025; TOPMed 0.00009; ExAC 0.00007.
gnomAD v4.1: 379 of 1,613,968 alleles (0.023%); highest among the groups gnomAD compares: Non-Finnish European, 0.031%; no homozygotes.

Submissions (3):

GeneDx
Classification: Uncertain significance. Last evaluated: 2025-02-18. Review status: criteria provided, single submitter. Criteria: GeneDx Variant Classification Process June 2021. Collection method: clinical testing. Allele origin: germline. Affected: yes.
Comment: In silico analysis supports that this missense variant has a deleterious effect on protein structure/function; Has not been previously published as pathogenic or benign to our knowledge

Mayo Clinic Laboratories, Mayo Clinic
Classification: Uncertain significance. Last evaluated: 2024-03-29. Review status: criteria provided, single submitter. Criteria: ACMG Guidelines, 2015. Collection method: clinical testing. Allele origin: germline. Observed: 1 variant allele.
Comment: BP4

Labcorp Genetics (formerly Invitae), Labcorp
Classification: Uncertain significance. Last evaluated: 2022-08-16. Review status: criteria provided, single submitter. Criteria: Invitae Variant Classification Sherloc (09022015). Collection method: clinical testing. Allele origin: germline.
Comment: This sequence change replaces serine, which is neutral and polar, with leucine, which is neutral and non-polar, at codon 1916 of the LAMA1 protein (p.Ser1916Leu). This variant is present in population databases (rs150900099, gnomAD 0.02%). This variant has not been reported in the literature in individuals affected with LAMA1-related conditions. ClinVar contains an entry for this variant (Variation ID: 1409541). Algorithms developed to predict the effect of missense changes on protein structure and function are either unavailable or do not agree on the potential impact of this missense change (SIFT: "Deleterious"; PolyPhen-2: "Benign"; Align-GVGD: "Class C0"). In summary, the available evidence is currently insufficient to determine the role of this variant in disease. Therefore, it has been classified as a Variant of Uncertain Significance.

NM_005559.4(LAMA1):c.5747C>T (p.Ser1916Leu)

Gene: LAMA1 (laminin subunit alpha 1; minus strand). Cytogenetic location: 18p11.31.
Variant type: single nucleotide variant.
Coding change: c.5747C>T on transcript NM_005559.4 (MANE Select); coding-DNA position 5747, C replaced by T.
Protein change: p.Ser1916Leu; replaces serine 1916 with leucine.
Molecular consequence: missense variant.
Genome position (GRCh38, 1-based): chr18:6,983,148, G>A on the plus strand (C>T on the coding strand, the complement: LAMA1 is on the minus strand). VCF-style: chr18-6983148-G-A. GRCh37 (hg19) VCF-style: chr18-6983147-G-A.
Other names: p.Ser1916Leu; c.5747C>T (NM_005559.3); short protein forms S1916L.
Identifiers: ClinVar variation 1409541 (VCV001409541.7), dbSNP rs150900099, ClinGen allele CA8881502.